The following is an entry in ClinVar:

NM_000417.3(IL2RA):c.45G>A (p.Met15Ile)

Genes: IL2RA (interleukin 2 receptor subunit alpha; minus strand), LOC130003232 (ATAC-STARR-seq lymphoblastoid active region 2950; plus strand). Cytogenetic location: 10p15.1.
Variant type: single nucleotide variant.
Coding change: c.45G>A on transcript NM_000417.3 (MANE Select); coding-DNA position 45, G replaced by A.
Protein change: p.Met15Ile; replaces methionine 15 with isoleucine.
Molecular consequence: missense variant.
Genome position (GRCh38, 1-based): chr10:6,062,107, C>T on the plus strand (G>A on the coding strand, the complement: IL2RA is on the minus strand). VCF-style: chr10-6062107-C-T. GRCh37 (hg19) VCF-style: chr10-6104070-C-T.
Other names: c.45G>A, p.Met15Ile (NM_001308242.2, NM_001308243.2); short protein forms M15I.
Identifiers: ClinVar variation 1358813 (VCV001358813.6), dbSNP rs74162092, ClinGen allele CA5397572.
Genomic context (GRCh38, chr10:6,062,107, plus strand): 5'-TCAGCCTTCCCGGAATTCCGGGGGCACCCACAGGCCCTTACCTGCCTGGCAGCCAGGCAC[C>T]ATGATGAACGTGAGCAGTCCCCACATCAGCAGGTATGAATCCATCTTCCTGACCCTTGGG-3'
Protein context (NP_000408.1, residues 5-25): LLMWGLLTFI[Met15Ile]VPGCQAELCD

ClinVar aggregate classification (germline): Uncertain significance. Review status: criteria provided, multiple submitters, no conflicts (2 of 4 stars). 2 submissions from 2 submitters: Uncertain significance (2). Last evaluated 2024-04-30.

Conditions:
Immunodeficiency due to CD25 deficiency. Also called: CD25 DEFICIENCY; IL2RA DEFICIENCY; IMMUNODEFICIENCY 41 WITH LYMPHOPROLIFERATION AND AUTOIMMUNITY. Identifiers: Orphanet 169100, MedGen C1853392, MONDO:0011664, OMIM 606367.

Allele frequency attached by ClinVar (database versions not stated): gnomAD 0.00001; TOPMed 0.00002; gnomAD exomes 0.00003 and 0.00006; ExAC 0.00004.

Submissions (2):

Blueprint Genetics
Classification: Uncertain significance. Last evaluated: 2024-04-30. Review status: criteria provided, single submitter. Criteria: ACMG Guidelines, 2015. Collection method: clinical testing. Allele origin: germline.

Labcorp Genetics (formerly Invitae), Labcorp
Classification: Uncertain significance for Immunodeficiency due to CD25 deficiency. Last evaluated: 2023-10-13. Review status: criteria provided, single submitter. Criteria: Invitae Variant Classification Sherloc (09022015). Collection method: clinical testing. Allele origin: germline.
Comment: This sequence change replaces methionine, which is neutral and non-polar, with isoleucine, which is neutral and non-polar, at codon 15 of the IL2RA protein (p.Met15Ile). This variant is present in population databases (rs74162092, gnomAD 0.007%). This variant has not been reported in the literature in individuals affected with IL2RA-related conditions. ClinVar contains an entry for this variant (Variation ID: 1358813). Algorithms developed to predict the effect of missense changes on protein structure and function output the following: SIFT: "Not Available"; PolyPhen-2: "Benign"; Align-GVGD: "Not Available". The isoleucine amino acid residue is found in multiple mammalian species, which suggests that this missense change does not adversely affect protein function. In summary, the available evidence is currently insufficient to determine the role of this variant in disease. Therefore, it has been classified as a Variant of Uncertain Significance.